The following is an entry in ClinVar:

NM_001110556.2(FLNA):c.4977C>T (p.Gly1659=)

Gene: FLNA (filamin A; minus strand). Cytogenetic location: Xq28.
Variant type: single nucleotide variant.
Coding change: c.4977C>T on transcript NM_001110556.2 (MANE Select); coding-DNA position 4977, C replaced by T.
Protein change: p.Gly1659=; no amino-acid change (glycine 1659 retained).
Molecular consequence: synonymous variant.
Genome position (GRCh38, 1-based): chrX:154,355,065, G>A on the plus strand (C>T on the coding strand, the complement: FLNA is on the minus strand). VCF-style: chrX-154355065-G-A. GRCh37 (hg19) VCF-style: chrX-153583433-G-A.
Other names: c.4953C>T, p.Gly1651= (NM_001456.4).
Identifiers: ClinVar variation 1744343 (VCV001744343.3), dbSNP rs2522728867, ClinGen allele CA519707526.

ClinVar aggregate classification (germline): Likely benign. Review status: criteria provided, multiple submitters, no conflicts (2 of 4 stars). 2 submissions from 2 submitters: Likely benign (2). Last evaluated 2026-09-21.

Conditions:
Familial thoracic aortic aneurysm and aortic dissection (TAAD). Also called: Thoracic aortic aneurysms and dissections. Identifiers: Orphanet 91387, MedGen C4707243, MONDO:0019625.

Submissions (2):

Molecular Diagnostic Laboratory for Inherited Cardiovascular Disease, Montreal Heart Institute
Classification: Likely benign. Last evaluated: 2026-09-21. Review status: criteria provided, single submitter. Criteria: ACMG Guidelines, 2015. Collection method: clinical testing. Allele origin: germline. Affected: no.
Comment: BP7

Ambry Genetics
Classification: Likely benign for Familial thoracic aortic aneurysm and aortic dissection. Last evaluated: 2020-11-19. Review status: criteria provided, single submitter. Criteria: Ambry Variant Classification Scheme 2023. Collection method: clinical testing. Allele origin: germline.